The following is an entry in ClinVar:

NM_000317.3(PTS):c.216T>A (p.Asn72Lys)

Gene: PTS (6-pyruvoyltetrahydropterin synthase; plus strand). Cytogenetic location: 11q23.1.
Variant type: single nucleotide variant.
Coding change: c.216T>A on transcript NM_000317.3 (MANE Select); coding-DNA position 216, T replaced by A.
Protein change: p.Asn72Lys; replaces asparagine 72 with lysine.
Molecular consequence: missense variant.
Genome position (GRCh38, 1-based): chr11:112,230,655, T>A. VCF-style: chr11-112230655-T-A. GRCh37 (hg19) VCF-style: chr11-112101378-T-A.
Other names: short protein forms N72K.
Identifiers: ClinVar variation 554191 (VCV000554191.10), dbSNP rs200279736, ClinGen allele CA228599325.

ClinVar aggregate classification (germline): Pathogenic. Review status: criteria provided, multiple submitters, no conflicts (2 of 4 stars). 3 submissions from 3 submitters: Pathogenic (2). 1 of the submissions does not count toward it. Last evaluated 2025-06-24.

Conditions:
6-Pyruvoyl-tetrahydrobiopterin synthase deficiency. Also called: 6-Pyruvoyltetrahydropterin Synthase Deficiency; PTS DEFICIENCY; HYPERPHENYLALANINEMIA, TETRAHYDROBIOPTERIN-DEFICIENT, DUE TO PTS DEFICIENCY; PTS-Related Tetrahydrobiopterin Deficiency; BH4-deficient hyperphenylalaninemia A; Hyperphenylalanemia, BH4-deficient, A. Identifiers: Orphanet 13, Orphanet 238583, MedGen C0878676, MONDO:0009863, OMIM 261640.

Allele frequency attached by ClinVar (database versions not stated): gnomAD exomes below 0.00001; gnomAD 0.00001; TOPMed 0.00001.
gnomAD v4.1: 3 of 1,611,252 alleles (0.00019%); highest among the groups gnomAD compares: Non-Finnish European, 0.00025%; no homozygotes.

Submissions (3):

Natera, Inc.
Classification: Pathogenic for 6-Pyruvoyl-tetrahydrobiopterin synthase deficiency. Last evaluated: 2025-06-24. Review status: criteria provided, single submitter. Criteria: Natera Variant Classification Schema (03/2026). Collection method: clinical testing. Allele origin: germline.
Comment: The c.216T>A variant in PTS is a missense variant predicted to cause substitution of asparagine to lysine at amino acid 72. This variant is rare in the general population with a frequency below the threshold expected for the associated phenotype(s). This variant has been observed in one or more individuals affected with the associated recessive disease, as either homozygous or compound heterozygous with a second variant (PMID: 33822819). Computational prediction algorithms indicate this variant is likely to affect gene or protein function. Given the available evidence, this variant is classified as Pathogenic.

Labcorp Genetics (formerly Invitae), Labcorp
Classification: Pathogenic for 6-Pyruvoyl-tetrahydrobiopterin synthase deficiency. Last evaluated: 2023-08-20. Review status: criteria provided, single submitter. Criteria: Invitae Variant Classification Sherloc (09022015). Collection method: clinical testing. Allele origin: germline.
Comment: ClinVar contains an entry for this variant (Variation ID: 554191). This missense change has been observed in individual(s) with biopterin-deficient hyperphenylalaninemia and/or PTS-related conditions (PMID: 31332730, 33822819). In at least one individual the data is consistent with being in trans (on the opposite chromosome) from a pathogenic variant. This variant is not present in population databases (gnomAD no frequency). This sequence change replaces asparagine, which is neutral and polar, with lysine, which is basic and polar, at codon 72 of the PTS protein (p.Asn72Lys). For these reasons, this variant has been classified as Pathogenic. An algorithm developed to predict the effect of missense changes on protein structure and function (PolyPhen-2) suggests that this variant is likely to be disruptive.

Counsyl
Classification: Uncertain significance for 6-Pyruvoyl-tetrahydrobiopterin synthase deficiency. Last evaluated: 2017-10-02. Review status: no assertion criteria provided. Collection method: clinical testing. Allele origin: unknown. Not counted in ClinVar's aggregate classification.

Literature cited by the submitters: PubMed 33822819 (cited by Natera, Inc. and Labcorp Genetics (formerly Invitae), Labcorp); PubMed 31332730 (cited by Labcorp Genetics (formerly Invitae), Labcorp); PubMed 16917893 (cited by Counsyl).